The following is an entry in ClinVar:

ClinVar aggregate classification (germline): Uncertain significance (1 of 4 stars; one submission).

Conditions:
Cardiovascular phenotype. Identifiers: MedGen CN230736.

Submission:

Ambry Genetics
Classification: Uncertain significance for Cardiovascular phenotype. Last evaluated: 2026-06-15. Review status: criteria provided, single submitter. Criteria: Ambry Variant Classification Scheme 2023. Collection method: clinical testing. Allele origin: germline.
Comment: The p.S30R variant (also known as c.88A>C), located in coding exon 1 of the TBX5 gene, results from an A to C substitution at nucleotide position 88. The serine at codon 30 is replaced by arginine, an amino acid with dissimilar properties. This amino acid position is conserved. In addition, this alteration is predicted to be tolerated by in silico analysis. Based on the available evidence, the clinical significance of this variant remains unclear.

NM_181486.4(TBX5):c.88A>C (p.Ser30Arg)

Gene: TBX5 (T-box transcription factor 5; minus strand). Cytogenetic location: 12q24.21.
Variant type: single nucleotide variant.
Coding change: c.88A>C on transcript NM_181486.4 (MANE Select); coding-DNA position 88, A replaced by C.
Protein change: p.Ser30Arg; replaces serine 30 with arginine.
Molecular consequence: missense variant. On other transcripts: intron variant (1).
Genome position (GRCh38, 1-based): chr12:114,403,811, T>G on the plus strand (A>C on the coding strand, the complement: TBX5 is on the minus strand). VCF-style: chr12-114403811-T-G. GRCh37 (hg19) VCF-style: chr12-114841616-T-G.
Other names: c.88A>C, p.Ser30Arg (NM_000192.3); c.-3-1891A>C (NM_080717.4); short protein forms S30R.
Identifiers: ClinVar variation 5030551 (VCV005030551.1).